The following is an entry in ClinVar:

ClinVar aggregate classification (germline): Uncertain significance (1 of 4 stars; one submission).

Allele frequency attached by ClinVar (database versions not stated): gnomAD exomes 0.00002 and 0.00004; ExAC 0.00004; gnomAD 0.00004; TOPMed 0.00004; ESP Exome Variant Server 0.00015.
gnomAD v4.1: 42 of 1,613,992 alleles (0.0026%); highest among the groups gnomAD compares: Middle Eastern, 0.016%; no homozygotes.

Submission:

Labcorp Genetics (formerly Invitae), Labcorp
Classification: Uncertain significance. Last evaluated: 2023-06-25. Review status: criteria provided, single submitter. Criteria: Invitae Variant Classification Sherloc (09022015). Collection method: clinical testing. Allele origin: germline.
Comment: In summary, the available evidence is currently insufficient to determine the role of this variant in disease. Therefore, it has been classified as a Variant of Uncertain Significance. An algorithm developed to predict the effect of missense changes on protein structure and function (PolyPhen-2) suggests that this variant is likely to be disruptive. ClinVar contains an entry for this variant (Variation ID: 1360136). This missense change has been observed in individual(s) with Alzheimer disease (PMID: 22472873). This variant is present in population databases (rs377498269, gnomAD 0.01%). This sequence change replaces asparagine, which is neutral and polar, with serine, which is neutral and polar, at codon 924 of the SORL1 protein (p.Asn924Ser).

Literature cited by the submitters: PubMed 22472873.

NM_003105.6(SORL1):c.2771A>G (p.Asn924Ser)

Gene: SORL1 (sortilin related receptor 1; plus strand). Cytogenetic location: 11q24.1.
Variant type: single nucleotide variant.
Coding change: c.2771A>G on transcript NM_003105.6 (MANE Select); coding-DNA position 2771, A replaced by G.
Protein change: p.Asn924Ser; replaces asparagine 924 with serine.
Molecular consequence: missense variant.
Genome position (GRCh38, 1-based): chr11:121,558,698, A>G. VCF-style: chr11-121558698-A-G. GRCh37 (hg19) VCF-style: chr11-121429407-A-G.
Other names: short protein forms N924S.
Identifiers: ClinVar variation 1360136 (VCV001360136.8), dbSNP rs377498269, ClinGen allele CA6329055.